The following is an entry in ClinVar:

ClinVar aggregate classification (germline): Likely benign (0 of 4 stars; one submission).

Conditions:
DST-related disorder. Also called: DST-related condition; DST-related disorders.

Allele frequency attached by ClinVar (database versions not stated): TOPMed 0.00001; gnomAD exomes 0.00011; 1000 Genomes Project 30x 0.00016; 1000 Genomes Project 0.00020; ExAC 0.00025; gnomAD 0.00033.
gnomAD v4.1: 213 of 1,613,908 alleles (0.013%); highest among the groups gnomAD compares: Admixed American, 0.0033%; no homozygotes.

Submission:

PreventionGenetics, part of Exact Sciences
Classification: Likely benign for DST-related condition. Last evaluated: 2022-05-27. Review status: no assertion criteria provided. Collection method: clinical testing. Allele origin: germline.
Comment: This variant is classified as likely benign based on ACMG/AMP sequence variant interpretation guidelines (Richards et al. 2015 PMID: 25741868, with internal and published modifications).

NM_001374736.1(DST):c.437A>G (p.Tyr146Cys)

Genes: DST (dystonin; minus strand), DST-AS1 (DST antisense RNA 1; plus strand). Cytogenetic location: 6p12.1.
Variant type: single nucleotide variant.
Coding change: c.437A>G on transcript NM_001374736.1 (MANE Select); coding-DNA position 437, A replaced by G.
Protein change: p.Tyr146Cys; replaces tyrosine 146 with cysteine.
Molecular consequence: missense variant.
Genome position (GRCh38, 1-based): chr6:56,851,585, T>C on the plus strand (A>G on the coding strand, the complement: DST is on the minus strand). VCF-style: chr6-56851585-T-C. GRCh37 (hg19) VCF-style: chr6-56716383-T-C.
Other names: c.437A>G, p.Tyr146Cys (NM_001144769.5, NM_001374722.1); c.23A>G, p.Tyr8Cys (NM_001144770.2); c.464A>G, p.Tyr155Cys (NM_001374734.1); short protein forms Y146C, Y155C, Y8C.
Identifiers: ClinVar variation 3030610 (VCV003030610.2), dbSNP rs576091249, ClinGen allele CA3871971.